The following is an entry in ClinVar:

ClinVar aggregate classification (germline): Uncertain significance (1 of 4 stars; one submission).

gnomAD v4.1: 2 of 1,520,408 alleles (0.00013%); no homozygotes.

Submission:

CeGaT Center for Human Genetics Tuebingen
Classification: Uncertain significance. Last evaluated: 2025-01-01. Review status: criteria provided, single submitter. Criteria: CeGaT Center For Human Genetics Tuebingen Variant Classification Criteria Version 2. Collection method: clinical testing. Allele origin: germline. Affected: yes. Observed: 1 variant allele.
Comment: TRPA1: PM2:Supporting, BP4

NM_007332.3(TRPA1):c.2305C>A (p.Leu769Ile)

Genes: MSC-AS1 (MSC antisense RNA 1; plus strand), TRPA1 (transient receptor potential cation channel subfamily A member 1; minus strand). Cytogenetic location: 8q21.11.
Variant type: single nucleotide variant.
Coding change: c.2305C>A on transcript NM_007332.3 (MANE Select); coding-DNA position 2305, C replaced by A.
Protein change: p.Leu769Ile; replaces leucine 769 with isoleucine.
Molecular consequence: missense variant.
Genome position (GRCh38, 1-based): chr8:72,038,063, G>T on the plus strand (C>A on the coding strand, the complement: TRPA1 is on the minus strand). VCF-style: chr8-72038063-G-T. GRCh37 (hg19) VCF-style: chr8-72950298-G-T.
Other names: short protein forms L769I.
Identifiers: ClinVar variation 3772346 (VCV003772346.13).
Genomic context (GRCh38, chr8:72,038,063, plus strand): 5'-CTTCTTTGCAATACCCAAATATACTTGATAAAAACACTAAAATCATACAAGTTTTTATTA[G>T]ATATGAATTCTAAAACAAAAAAGGATAAGACACATAGTTATGAGAGATATAAAACACTTT-3'
Protein context (NP_015628.2, residues 759-779): SEILDTTNSY[Leu769Ile]IKTCMILVFL